The following is an entry in ClinVar:

ClinVar aggregate classification (germline): Likely pathogenic (1 of 4 stars; one submission).

Conditions:
Bardet-Biedl syndrome 1 (BBS1). Identifiers: MedGen C2936862, MONDO:0008854, OMIM 209900. Disease mechanism: loss of function.

Submission:

Myriad Genetics, Inc.
Classification: Likely pathogenic for Bardet-Biedl syndrome 1. Last evaluated: 2020-01-25. Review status: criteria provided, single submitter. Criteria: Myriad Women's Health Autosomal Recessive and X-Linked Classification Criteria (2019). Collection method: clinical testing. Allele origin: unknown.
Comment: NM_024649.4(BBS1):c.71T>A(L24*) is expected to be pathogenic in the context of Bardet-Biedl syndrome, BBS1-related. This variant is predicted to lead to an abnormal or absent protein product due to the creation of a premature termination codon in BBS1, a gene where loss-of-function variants are known to be pathogenic. Please note: this variant was assessed in the context of healthy population screening.

NM_024649.5(BBS1):c.71T>A (p.Leu24Ter)

Gene: BBS1 (Bardet-Biedl syndrome 1; plus strand). Cytogenetic location: 11q13.2.
Variant type: single nucleotide variant.
Coding change: c.71T>A on transcript NM_024649.5 (MANE Select); coding-DNA position 71, T replaced by A.
Protein change: p.Leu24Ter; replaces leucine 24 with a stop codon.
Molecular consequence: nonsense.
Genome position (GRCh38, 1-based): chr11:66,511,036, T>A. VCF-style: chr11-66511036-T-A. GRCh37 (hg19) VCF-style: chr11-66278507-T-A.
Other names: short protein forms L24*.
Identifiers: ClinVar variation 983830 (VCV000983830.3), dbSNP rs1855932058, ClinGen allele CA381453606.